The following is an entry in ClinVar:

ClinVar aggregate classification (germline): Conflicting classifications of pathogenicity. Review status: criteria provided, conflicting classifications (1 of 4 stars). 2 submissions from 2 submitters: Likely pathogenic (1); Uncertain significance (1). Last evaluated 2025-01-13.

Conditions:
Seizure. Also called: Seizures. Identifiers: MedGen C0036572, HP:0001250.
EAST syndrome (SESAMES). Also called: SEIZURES, SENSORINEURAL DEAFNESS, ATAXIA, IMPAIRED INTELLECTUAL DEVELOPMENT, AND ELECTROLYTE IMBALANCE. Identifiers: Orphanet 199343, MedGen C2748572, MONDO:0013005, OMIM 612780.

Submissions (2):

Labcorp Genetics (formerly Invitae), Labcorp
Classification: Uncertain significance for EAST syndrome. Last evaluated: 2025-01-13. Review status: criteria provided, single submitter. Criteria: Invitae Variant Classification Sherloc (09022015). Collection method: clinical testing. Allele origin: germline.
Comment: This sequence change replaces histidine, which is basic and polar, with aspartic acid, which is acidic and polar, at codon 257 of the KCNJ10 protein (p.His257Asp). This variant is not present in population databases (gnomAD no frequency). This variant has not been reported in the literature in individuals affected with KCNJ10-related conditions. ClinVar contains an entry for this variant (Variation ID: 1035800). Invitae Evidence Modeling of protein sequence and biophysical properties (such as structural, functional, and spatial information, amino acid conservation, physicochemical variation, residue mobility, and thermodynamic stability) indicates that this missense variant is expected to disrupt KCNJ10 protein function with a positive predictive value of 95%. In summary, the available evidence is currently insufficient to determine the role of this variant in disease. Therefore, it has been classified as a Variant of Uncertain Significance.

Cytogénomique, Hospices Civils de Lyon
Classification: Likely pathogenic for Seizures. Last evaluated: 2023-11-15. Review status: criteria provided, single submitter. Criteria: ACMG Guidelines, 2015. Collection method: clinical testing. Allele origin: maternal. Affected: yes. Observed: 1 variant allele, 1 compound heterozygote.

NM_002241.5(KCNJ10):c.769C>G (p.His257Asp)

Gene: KCNJ10 (potassium inwardly rectifying channel subfamily J member 10; minus strand). Cytogenetic location: 1q23.2.
Variant type: single nucleotide variant.
Coding change: c.769C>G on transcript NM_002241.5 (MANE Select); coding-DNA position 769, C replaced by G.
Protein change: p.His257Asp; replaces histidine 257 with aspartic acid.
Molecular consequence: missense variant.
Genome position (GRCh38, 1-based): chr1:160,041,764, G>C on the plus strand (C>G on the coding strand, the complement: KCNJ10 is on the minus strand). VCF-style: chr1-160041764-G-C. GRCh37 (hg19) VCF-style: chr1-160011554-G-C.
Other names: short protein forms H257D.
Identifiers: ClinVar variation 1035800 (VCV001035800.11), dbSNP rs1648612559, ClinGen allele CA343225317.